The following is an entry in ClinVar:

NM_173477.5(USH1G):c.1054C>A (p.Leu352Met)

Gene: USH1G (USH1 protein network component sans; minus strand). Cytogenetic location: 17q25.1.
Variant type: single nucleotide variant.
Coding change: c.1054C>A on transcript NM_173477.5 (MANE Select); coding-DNA position 1054, C replaced by A.
Protein change: p.Leu352Met; replaces leucine 352 with methionine.
Molecular consequence: missense variant.
Genome position (GRCh38, 1-based): chr17:74,919,782, G>T on the plus strand (C>A on the coding strand, the complement: USH1G is on the minus strand). VCF-style: chr17-74919782-G-T. GRCh37 (hg19) VCF-style: chr17-72915877-G-T.
Other names: c.745C>A, p.Leu249Met (NM_001282489.3); c.1054C>A (NM_173477.2); short protein forms L249M, L352M.
Identifiers: ClinVar variation 848676 (VCV000848676.9), dbSNP rs142291012, ClinGen allele CA293983723.

ClinVar aggregate classification (germline): Uncertain significance. Review status: criteria provided, multiple submitters, no conflicts (2 of 4 stars). 2 submissions from 2 submitters: Uncertain significance (2). Last evaluated 2023-05-23.

Conditions:
Inborn genetic diseases. Identifiers: MedGen C0950123, MeSH D030342.

Allele frequency attached by ClinVar (database versions not stated): gnomAD 0.00001; ESP Exome Variant Server 0.00008; gnomAD exomes below 0.00001; TOPMed 0.00001.

Submissions (2):

Ambry Genetics
Classification: Uncertain significance for Inborn genetic diseases. Last evaluated: 2023-05-23. Review status: criteria provided, single submitter. Criteria: Ambry Variant Classification Scheme 2023. Collection method: clinical testing. Allele origin: germline.

Labcorp Genetics (formerly Invitae), Labcorp
Classification: Uncertain significance. Last evaluated: 2022-10-13. Review status: criteria provided, single submitter. Criteria: Invitae Variant Classification Sherloc (09022015). Collection method: clinical testing. Allele origin: germline.
Comment: This variant is not present in population databases (gnomAD no frequency). In summary, the available evidence is currently insufficient to determine the role of this variant in disease. Therefore, it has been classified as a Variant of Uncertain Significance. Advanced modeling of protein sequence and biophysical properties (such as structural, functional, and spatial information, amino acid conservation, physicochemical variation, residue mobility, and thermodynamic stability) performed at Invitae indicates that this missense variant is not expected to disrupt USH1G protein function. ClinVar contains an entry for this variant (Variation ID: 848676). This variant has not been reported in the literature in individuals affected with USH1G-related conditions. This sequence change replaces leucine, which is neutral and non-polar, with methionine, which is neutral and non-polar, at codon 352 of the USH1G protein (p.Leu352Met).